The following is an entry in ClinVar:

NM_032608.7(MYO18B):c.5473A>G (p.Lys1825Glu)

Gene: MYO18B (myosin XVIIIB; plus strand). Cytogenetic location: 22q12.1.
Variant type: single nucleotide variant.
Coding change: c.5473A>G on transcript NM_032608.7 (MANE Select); coding-DNA position 5473, A replaced by G.
Protein change: p.Lys1825Glu; replaces lysine 1825 with glutamic acid.
Molecular consequence: missense variant.
Genome position (GRCh38, 1-based): chr22:25,921,365, A>G. VCF-style: chr22-25921365-A-G. GRCh37 (hg19) VCF-style: chr22-26317332-A-G.
Other names: c.5476A>G, p.Lys1826Glu (NM_001318245.2); short protein forms K1826E, K1825E.
Identifiers: ClinVar variation 2174364 (VCV002174364.2), dbSNP rs201446223, ClinGen allele CA10161169.

ClinVar aggregate classification (germline): Uncertain significance. Review status: criteria provided, multiple submitters, no conflicts (2 of 4 stars). 2 submissions from 2 submitters: Uncertain significance (2). Last evaluated 2024-03-22.

Allele frequency attached by ClinVar (database versions not stated): gnomAD 0.00003; gnomAD exomes 0.00003; TOPMed 0.00003; ExAC 0.00004; ESP Exome Variant Server 0.00008.
gnomAD v4.1: 44 of 1,597,716 alleles (0.0028%); highest among the groups gnomAD compares: Non-Finnish European, 0.0037%; no homozygotes.

Submissions (2):

Blueprint Genetics
Classification: Uncertain significance. Last evaluated: 2024-03-22. Review status: criteria provided, single submitter. Criteria: ACMG Guidelines, 2015. Collection method: clinical testing. Allele origin: germline.

Labcorp Genetics (formerly Invitae), Labcorp
Classification: Uncertain significance. Last evaluated: 2022-10-07. Review status: criteria provided, single submitter. Criteria: Invitae Variant Classification Sherloc (09022015). Collection method: clinical testing. Allele origin: germline.
Comment: This sequence change replaces lysine, which is basic and polar, with glutamic acid, which is acidic and polar, at codon 1825 of the MYO18B protein (p.Lys1825Glu). This variant is present in population databases (rs201446223, gnomAD 0.006%). This variant has not been reported in the literature in individuals affected with MYO18B-related conditions. Algorithms developed to predict the effect of missense changes on protein structure and function are either unavailable or do not agree on the potential impact of this missense change (SIFT: "Not Available"; PolyPhen-2: "Benign"; Align-GVGD: "Not Available"). In summary, the available evidence is currently insufficient to determine the role of this variant in disease. Therefore, it has been classified as a Variant of Uncertain Significance.